The following is an entry in ClinVar:

ClinVar aggregate classification (germline): Uncertain significance (1 of 4 stars; one submission).

Allele frequency attached by ClinVar (database versions not stated): TOPMed 0.00001; ExAC 0.00002; gnomAD exomes 0.00002 and 0.00003; gnomAD 0.00004 and 0.00005.

Submission:

Labcorp Genetics (formerly Invitae), Labcorp
Classification: Uncertain significance. Last evaluated: 2025-07-07. Review status: criteria provided, single submitter. Criteria: Invitae Variant Classification Sherloc (09022015). Collection method: clinical testing. Allele origin: germline.
Comment: This variant, c.1867_1869del, results in the deletion of 1 amino acid(s) of the KANK1 protein (p.Lys623del), but otherwise preserves the integrity of the reading frame. This variant is present in population databases (rs759585537, gnomAD 0.008%). This variant has not been reported in the literature in individuals affected with KANK1-related conditions. ClinVar contains an entry for this variant (Variation ID: 1417618). Experimental studies and prediction algorithms are not available or were not evaluated, and the functional significance of this variant is currently unknown. In summary, the available evidence is currently insufficient to determine the role of this variant in disease. Therefore, it has been classified as a Variant of Uncertain Significance.

NM_015158.5(KANK1):c.1867_1869del (p.Lys623del)

Gene: KANK1 (KN motif and ankyrin repeat domains 1; plus strand). Cytogenetic location: 9p24.3.
Variant type: Deletion.
Coding change: c.1867_1869del on transcript NM_015158.5 (MANE Select); coding-DNA positions 1867 to 1869, 3 bases deleted (AAA; older notation c.1867_1869delAAA).
Protein change: p.Lys623del; deletes lysine 623.
Molecular consequence: inframe deletion. On other transcripts: non-coding transcript variant (1).
Genome position (GRCh38, 1-based): chr9:712,633-712,635, AAA deleted. VCF-style (leftmost placement, unchanged base first): chr9-712632-CAAA-C. GRCh37 (hg19) VCF-style: chr9-712632-CAAA-C.
Other names: c.1867_1869del, p.Lys623del (NM_001256876.3, NM_001256877.3, NM_001354331.2 and 2 more transcripts); c.1393_1395del, p.Lys465del (NM_001354333.2, NM_001354335.2, NM_001354336.2 and 9 more transcripts); short protein forms K465del, K623del.
Identifiers: ClinVar variation 1417618 (VCV001417618.8), dbSNP rs759585537, ClinGen allele CA4960342.